The following is an entry in ClinVar:

NM_000553.6(WRN):c.4285G>A (p.Gly1429Ser)

Genes: WRN (WRN RecQ like helicase; plus strand), LOC126860342 (MED14-independent group 3 enhancer GRCh37_chr8:31029565-31030764; plus strand). Cytogenetic location: 8p12.
Variant type: single nucleotide variant.
Coding change: c.4285G>A on transcript NM_000553.6 (MANE Select); coding-DNA position 4285, G replaced by A.
Protein change: p.Gly1429Ser; replaces glycine 1429 with serine.
Molecular consequence: missense variant.
Genome position (GRCh38, 1-based): chr8:31,173,088, G>A. VCF-style: chr8-31173088-G-A. GRCh37 (hg19) VCF-style: chr8-31030604-G-A.
Other names: short protein forms G1429S.
Identifiers: ClinVar variation 1953557 (VCV001953557.5), dbSNP rs2130530575, ClinGen allele CA370911913.
Genomic context (GRCh38, chr8:31,173,088, plus strand): 5'-GTGTGGTTTGCCAAAGGAAGTGATACCAGCAAGAAATTAATGGACAAAACGAAAAGGGGA[G>A]GTCTTTTTAGTTAAGCTGGCAATTACCAGAACAATTATGTTTCTTGCTGTATTATAAGAG-3'
Protein context (NP_000544.2, residues 1419-1432): KKLMDKTKRG[Gly1429Ser]LFS

ClinVar aggregate classification (germline): Uncertain significance (1 of 4 stars; one submission).

Conditions:
Werner syndrome (WRN). Identifiers: Orphanet 902, MedGen C0043119, MONDO:0010196, OMIM 277700.

Submission:

Labcorp Genetics (formerly Invitae), Labcorp
Classification: Uncertain significance for Werner syndrome. Last evaluated: 2022-05-04. Review status: criteria provided, single submitter. Criteria: Invitae Variant Classification Sherloc (09022015). Collection method: clinical testing. Allele origin: germline.
Comment: In summary, the available evidence is currently insufficient to determine the role of this variant in disease. Therefore, it has been classified as a Variant of Uncertain Significance. This sequence change replaces glycine, which is neutral and non-polar, with serine, which is neutral and polar, at codon 1429 of the WRN protein (p.Gly1429Ser). This variant is not present in population databases (gnomAD no frequency). This variant has not been reported in the literature in individuals affected with WRN-related conditions. Algorithms developed to predict the effect of missense changes on protein structure and function are either unavailable or do not agree on the potential impact of this missense change (SIFT: "Not Available"; PolyPhen-2: "Possibly Damaging"; Align-GVGD: "Not Available").